The following is an entry in ClinVar:

ClinVar aggregate classification (germline): Pathogenic (1 of 4 stars; one submission).

Conditions:
Angelman syndrome (AS). Also called: HAPPY PUPPET SYNDROME. Identifiers: Orphanet 72, MedGen C0162635, MONDO:0007113, OMIM 105830. Disease mechanism: loss of function. Inheritance: AS is caused by disruption of maternally imprinted UBE3A located within the 15q11.2-q13 Angelman syndrome/Prader-Willi syndrome (AS/PWS) region., imprinting disorder.

Submission:

Pediatric Department, Peking University First Hospital
Classification: Pathogenic for Angelman syndrome. Last evaluated: 2025-12-10. Review status: criteria provided, single submitter. Criteria: ACMG/ClinGen CNV Guidelines, 2019. Collection method: clinical testing. Allele origin: de novo. Inheritance: Autosomal dominant inheritance with maternal imprinting. Affected: yes.
Comment: This approximately 7.83 Mb heterozygous deletion at 15q11-q13.1 (GRCh37: chr15:20,739,471-28,566,602) encompasses multiple protein-coding and functionally important genes, including the imprinted Prader-Willi/Angelman syndrome critical region and established dosage-sensitive/disease-associated gene(s). The deletion completely encompasses an established haploinsufficient gene/genomic region, meeting ACMG/ClinGen CNV criterion 2A (+1.00 point). Therefore, this copy-number loss is classified as pathogenic.

GRCh37/hg19 15q11.2-13.1(chr15:20739471-28566602)x1

Genes: ATP10A (ATPase phospholipid transporting 10A (putative); minus strand), CYFIP1 (cytoplasmic FMR1 interacting protein 1; minus strand), GABRA5 (gamma-aminobutyric acid type A receptor subunit alpha5; plus strand), GABRB3 (gamma-aminobutyric acid type A receptor subunit beta3; minus strand), GABRG3 (gamma-aminobutyric acid type A receptor subunit gamma3; plus strand) and 29 more. Cytogenetic location: 15q11.2-13.1.
Variant type: copy number loss.
Change: copy number 1 (one copy instead of two) of chr15:20,739,471-28,566,602 (7.83 Mb, GRCh37 coordinates, 1-based), cytogenetic band 15q11.2-13.1.
Identifiers: ClinVar variation 4891004 (VCV004891004.1).